The following is an entry in ClinVar:

NM_002878.4(RAD51D):c.577-7C>T

Genes: RAD51D (RAD51 paralog D; minus strand), RAD51L3-RFFL (RAD51L3-RFFL readthrough; minus strand). Cytogenetic location: 17q12.
Variant type: single nucleotide variant.
Coding change: c.577-7C>T on transcript NM_002878.4 (MANE Select); 7 bases into the intron before coding-DNA position 577, C replaced by T.
Molecular consequence: intron variant.
Genome position (GRCh38, 1-based): chr17:35,103,551, G>A on the plus strand (C>T on the coding strand, the complement: RAD51D is on the minus strand). VCF-style: chr17-35103551-G-A. GRCh37 (hg19) VCF-style: chr17-33430570-G-A.
Other names: c.241-7C>T (NM_133629.3); c.637-7C>T (NM_001142571.2).
Identifiers: ClinVar variation 539863 (VCV000539863.15), dbSNP rs1438561890, ClinGen allele CA645595321.

ClinVar aggregate classification (germline): Likely benign. Review status: criteria provided, multiple submitters, no conflicts (2 of 4 stars). 4 submissions from 4 submitters: Likely benign (4). Last evaluated 2025-12-12.

Conditions:
Familial ovarian cancer. Identifiers: MedGen C5679802, MONDO:0016248.
Breast-ovarian cancer, familial, susceptibility to, 4. Identifiers: Orphanet 145, MedGen C3280345, MONDO:0013669, OMIM 614291.
Hereditary cancer-predisposing syndrome. Also called: Neoplastic Syndromes, Hereditary; Hereditary Cancer Syndrome; Hereditary neoplastic syndrome; Tumor predisposition. Identifiers: Orphanet 140162, MedGen C0027672, MeSH D009386, MONDO:0015356.

Allele frequency attached by ClinVar (database versions not stated): gnomAD exomes below 0.00001; TOPMed below 0.00001; gnomAD 0.00001.
gnomAD v4.1: 7 of 1,609,432 alleles (0.00043%); highest among the groups gnomAD compares: South Asian, 0.0066%; no homozygotes.

Submissions (4):

Labcorp Genetics (formerly Invitae), Labcorp
Classification: Likely benign for Breast-ovarian cancer, familial, susceptibility to, 4. Last evaluated: 2025-12-12. Review status: criteria provided, single submitter. Criteria: Invitae Variant Classification Sherloc (09022015). Collection method: clinical testing. Allele origin: germline.

Myriad Genetics, Inc.
Classification: Likely benign for Breast-ovarian cancer, familial, susceptibility to, 4. Last evaluated: 2025-02-24. Review status: criteria provided, single submitter. Criteria: Myriad Autosomal Dominant, Autosomal Recessive and X-Linked Classification Criteria (2023). Collection method: clinical testing. Allele origin: unknown.
Comment: This variant is considered likely benign. This variant is intronic and is not expected to impact mRNA splicing.

Molecular Pathology, Peter Maccallum Cancer Centre
Classification: Likely benign for Familial ovarian cancer. Last evaluated: 2024-06-03. Review status: criteria provided, single submitter. Criteria: ACMG Guidelines, 2015. Collection method: clinical testing. Allele origin: germline. Inheritance: Autosomal dominant inheritance.

Color Diagnostics, LLC DBA Color Health
Classification: Likely benign for Hereditary cancer-predisposing syndrome. Last evaluated: 2018-08-06. Review status: criteria provided, single submitter. Criteria: ACMG Guidelines, 2015. Collection method: clinical testing. Allele origin: germline.